The following is an entry in ClinVar:

ClinVar aggregate classification (germline): Benign. Review status: criteria provided, multiple submitters, no conflicts (2 of 4 stars). 2 submissions from 2 submitters: Benign (2). Last evaluated 2024-01-24.

Allele frequency attached by ClinVar (database versions not stated): gnomAD exomes 0.40968; gnomAD 0.42696 and 0.43046; TOPMed 0.43462; 1000 Genomes Project 30x 0.47423; 1000 Genomes Project 0.47684.
gnomAD v4.1: 475,811 of 1,151,670 alleles (41%); highest among the groups gnomAD compares: South Asian, 50%; 99,977 homozygotes.

Submissions (2):

Unidad de Genómica Garrahan, Hospital de Pediatría Garrahan
Classification: Benign. Last evaluated: 2024-01-24. Review status: criteria provided, single submitter. Criteria: ACMG Guidelines, 2015. Collection method: clinical testing. Allele origin: germline. Affected: no. Observed: 23 variant alleles.
Comment: This variant is classified as Benign based on local population frequency. This variant was detected in 26% of patients studied by a panel of primary immunodeficiencies. Number of patients: 23. Only high quality variants are reported.

GeneDx
Classification: Benign. Last evaluated: 2018-09-14. Review status: criteria provided, single submitter. Criteria: GeneDx Variant Classification Process June 2021. Collection method: clinical testing. Allele origin: germline. Affected: yes.

NM_032638.5(GATA2):c.1143+128C>T

Gene: GATA2 (GATA binding protein 2; minus strand). Cytogenetic location: 3q21.3.
Variant type: single nucleotide variant.
Coding change: c.1143+128C>T on transcript NM_032638.5 (MANE Select); 128 bases into the intron after coding-DNA position 1143, C replaced by T.
Molecular consequence: intron variant.
Genome position (GRCh38, 1-based): chr3:128,481,691, G>A on the plus strand (C>T on the coding strand, the complement: GATA2 is on the minus strand). VCF-style: chr3-128481691-G-A. GRCh37 (hg19) VCF-style: chr3-128200534-G-A.
Other names: c.1101+128C>T (NM_001145662.1); c.1143+128C>T (NM_001145661.2).
Identifiers: ClinVar variation 1230832 (VCV001230832.5), dbSNP rs2713603, ClinGen allele CA11420022.
Genomic context (GRCh38, chr3:128,481,691, plus strand): 5'-TAGCCAGCTCCACCTCCTGAGCAGAGGCAAGGCACCCCTCTTACGGGAAGCCCTTCTGGC[G>A]CTCACTCAGGGCAGCAGCTTCCCAAGCCAAGCCAAGCTGGATATTGTGGCTGGGGCCTCT-3'